The following is an entry in ClinVar:

ClinVar aggregate classification (germline): Benign (1 of 4 stars; one submission).

Allele frequency attached by ClinVar (database versions not stated): 1000 Genomes Project 0.77935; 1000 Genomes Project 30x 0.78264; ExAC 0.79106; gnomAD exomes 0.82243; TOPMed 0.83210; gnomAD 0.83968; ESP Exome Variant Server 0.86491.

Submission:

Unidad de Genómica Garrahan, Hospital de Pediatría Garrahan
Classification: Benign. Last evaluated: 2024-01-24. Review status: criteria provided, single submitter. Criteria: ACMG Guidelines, 2015. Collection method: clinical testing. Allele origin: germline. Affected: no. Observed: 85 variant alleles.
Comment: This variant is classified as Benign based on local population frequency. This variant was detected in 89% of patients studied by a panel of primary immunodeficiencies. Number of patients: 85. Only high quality variants are reported.

NM_021035.3(ZNFX1):c.1665C>T (p.Tyr555=)

Gene: ZNFX1 (zinc finger NFX1-type containing 1; minus strand). Cytogenetic location: 20q13.13.
Variant type: single nucleotide variant.
Coding change: c.1665C>T on transcript NM_021035.3 (MANE Select); coding-DNA position 1665, C replaced by T.
Protein change: p.Tyr555=; no amino-acid change (tyrosine 555 retained).
Molecular consequence: synonymous variant.
Genome position (GRCh38, 1-based): chr20:49,270,147, G>A on the plus strand (C>T on the coding strand, the complement: ZNFX1 is on the minus strand). VCF-style: chr20-49270147-G-A. GRCh37 (hg19) VCF-style: chr20-47886684-G-A.
Identifiers: ClinVar variation 2687945 (VCV002687945.2), dbSNP rs57950, ClinGen allele CA9902483.